The following is an entry in ClinVar:

ClinVar aggregate classification (germline): Benign. Review status: criteria provided, multiple submitters, no conflicts (2 of 4 stars). 2 submissions from 2 submitters: Benign (2). Last evaluated 2018-06-14.

Allele frequency attached by ClinVar (database versions not stated): gnomAD 0.08948; 1000 Genomes Project 30x 0.10509; TOPMed 0.09869; 1000 Genomes Project 0.10503.

Submissions (2):

GeneDx
Classification: Benign. Last evaluated: 2018-06-14. Review status: criteria provided, single submitter. Criteria: GeneDx Variant Classification (06012015). Collection method: clinical testing. Allele origin: germline. Affected: yes.
Comment: This variant is considered likely benign or benign based on one or more of the following criteria: it is a conservative change, it occurs at a poorly conserved position in the protein, it is predicted to be benign by multiple in silico algorithms, and/or has population frequency not consistent with disease.

Breakthrough Genomics
Classification: Benign. Review status: criteria provided, single submitter. Criteria: ACMG Guidelines, 2015. Collection method: not provided. Allele origin: germline. Inheritance: Autosomal recessive inheritance. Affected: yes.

NM_016955.3(SEPSECS):c.-265T>G

Genes: SEPSECS (Sep (O-phosphoserine) tRNA:Sec (selenocysteine) tRNA synthase; minus strand), LOC129992331 (ATAC-STARR-seq lymphoblastoid active region 21370; plus strand). Cytogenetic location: 4p15.2.
Variant type: single nucleotide variant.
Coding change: c.-265T>G on transcript NM_016955.3; 265 bases upstream of the start codon, T replaced by G.
Genome position (GRCh38, 1-based): chr4:25,160,634, A>C on the plus strand (T>G on the coding strand, the complement: SEPSECS is on the minus strand). VCF-style: chr4-25160634-A-C. GRCh37 (hg19) VCF-style: chr4-25162256-A-C.
Identifiers: ClinVar variation 670543 (VCV000670543.4), dbSNP rs73252531, ClinGen allele CA11641338.